The following is an entry in ClinVar:

NM_000264.5(PTCH1):c.1937G>A (p.Ser646Asn)

Genes: PTCH1 (patched 1; minus strand), LOC100507346 (uncharacterized LOC100507346; plus strand). Cytogenetic location: 9q22.32.
Variant type: single nucleotide variant.
Coding change: c.1937G>A on transcript NM_000264.5 (MANE Select); coding-DNA position 1937, G replaced by A.
Protein change: p.Ser646Asn; replaces serine 646 with asparagine.
Molecular consequence: missense variant. On other transcripts: non-coding transcript variant (2).
Genome position (GRCh38, 1-based): chr9:95,469,064, C>T on the plus strand (G>A on the coding strand, the complement: PTCH1 is on the minus strand). VCF-style: chr9-95469064-C-T. GRCh37 (hg19) VCF-style: chr9-98231346-C-T.
Other names: c.1739G>A, p.Ser580Asn (NM_001083602.3); c.1934G>A, p.Ser645Asn (NM_001083603.3); c.1484G>A, p.Ser495Asn (NM_001083604.3, NM_001083605.3, NM_001083606.3 and 1 more transcripts); c.1781G>A, p.Ser594Asn (NM_001354918.2); short protein forms S645N, S495N, S580N, S594N, S646N.
Identifiers: ClinVar variation 3427295 (VCV003427295.1).

ClinVar aggregate classification (germline): Uncertain significance (1 of 4 stars; one submission).

Conditions:
Hereditary cancer-predisposing syndrome. Also called: Neoplastic Syndromes, Hereditary; Tumor predisposition; Hereditary Cancer Syndrome; Hereditary neoplastic syndrome. Identifiers: Orphanet 140162, MedGen C0027672, MeSH D009386, MONDO:0015356.

Submission:

Ambry Genetics
Classification: Uncertain significance for Hereditary cancer-predisposing syndrome. Last evaluated: 2024-10-11. Review status: criteria provided, single submitter. Criteria: Ambry Variant Classification Scheme 2023. Collection method: clinical testing. Allele origin: germline.
Comment: The p.S646N variant (also known as c.1937G>A), located in coding exon 14 of the PTCH1 gene, results from a G to A substitution at nucleotide position 1937. The serine at codon 646 is replaced by asparagine, an amino acid with highly similar properties. This amino acid position is conserved. In addition, this alteration is predicted to be tolerated by in silico analysis. Based on the available evidence, the clinical significance of this variant remains unclear.